The following is an entry in ClinVar:

ClinVar aggregate classification (germline): Uncertain significance. Review status: criteria provided, multiple submitters, no conflicts (2 of 4 stars). 2 submissions from 2 submitters: Uncertain significance (2). Last evaluated 2024-04-08.

Allele frequency attached by ClinVar (database versions not stated): gnomAD 0.00001; TOPMed 0.00001; gnomAD exomes 0.00004; ExAC 0.00006.
gnomAD v4.1: 51 of 1,577,158 alleles (0.0032%); highest among the groups gnomAD compares: East Asian, 0.12%; no homozygotes.

Submissions (2):

Women's Health and Genetics/Laboratory Corporation of America, LabCorp
Classification: Uncertain significance. Last evaluated: 2024-04-08. Review status: criteria provided, single submitter. Criteria: LabCorp Variant Classification Summary - May 2015. Collection method: clinical testing. Allele origin: germline.
Comment: Variant summary: POR c.1729G>C (p.Glu577Gln) results in a conservative amino acid change in the encoded protein sequence. Two of three in-silico tools predict a benign effect of the variant on protein function. The variant allele was found at a frequency of 3.2e-05 in 1577158 control chromosomes, predominantly at a frequency of 0.0012 within the East Asian subpopulation in the gnomAD database (v4.0.0). The observed variant frequency within East Asian control individuals in the gnomAD database is higher than the estimated maximal expected allele frequency for a pathogenic variant in POR causing Congenital Adrenal Hyperplasia phenotype (0.00091), strongly suggesting that the variant is a benign polymorphism found primarily in populations of East Asian origin. c.1729G>C has been reported in the literature in individuals affected with Congenital Adrenal Hyperplasia (Homma_2006). These data do not allow any conclusion about variant significance. At least one publication reports experimental evidence evaluating an impact on protein function. These results showed no damaging effect of this variant (Niwa_2012). The following publications have been ascertained in the context of this evaluation (PMID: 19258400, 16608896, 22123124). No submitters have cited clinical-significance assessments for this variant to ClinVar. Based on the evidence outlined above, the variant was classified as VUS-possibly benign.

Seattle Children's Hospital Molecular Genetics Laboratory, Seattle Children's Hospital
Classification: Uncertain significance. Review status: criteria provided, single submitter. Criteria: ACMG Guidelines, 2015. Collection method: clinical testing. Allele origin: germline. Affected: yes.
Comment: This individual also carried the p.Arg457His variant, the most prevalent pathogenic POR variant in the Japanese population, but it is unclear if parental testing was performed to determine if the two POR variants were in cis or trans. The p.Glu580Gln variant has also been observed as heterozygous change in large population studies (50 of 42,896 alleles in the East Asian genetic ancestry group, no homozygotes, gnomAD v4.0.0). Functional studies have shown that the kinetic activity of the p.Glu580Gln variant is similar to that of wild-type POR (PMID: 22123124). In silico predictions tools predict that this variant has a neutral or uncertain impact.

Literature cited by the submitters: PubMed 19258400 (cited by Women's Health and Genetics/Laboratory Corporation of America, LabCorp); PubMed 16608896 (cited by Women's Health and Genetics/Laboratory Corporation of America, LabCorp); PubMed 22123124 (cited by Women's Health and Genetics/Laboratory Corporation of America, LabCorp).

NM_001395413.1(POR):c.1729G>C (p.Glu577Gln)

Gene: POR (cytochrome p450 oxidoreductase; plus strand). Cytogenetic location: 7q11.23.
Variant type: single nucleotide variant.
Coding change: c.1729G>C on transcript NM_001395413.1 (MANE Select); coding-DNA position 1729, G replaced by C.
Protein change: p.Glu577Gln; replaces glutamic acid 577 with glutamine.
Molecular consequence: missense variant.
Genome position (GRCh38, 1-based): chr7:75,985,991, G>C. VCF-style: chr7-75985991-G-C. GRCh37 (hg19) VCF-style: chr7-75615309-G-C.
Other names: c.1729G>C, p.Glu577Gln (NM_001367562.3, NM_001382657.2, NM_001382658.3 and 1 more transcripts); c.1783G>C, p.Glu595Gln (NM_001382655.3); c.1579G>C, p.Glu527Gln (NM_001382662.3); c.1738G>C (NM_000941.3); short protein forms E527Q, E577Q, E595Q.
Identifiers: ClinVar variation 3251471 (VCV003251471.2), dbSNP rs782128221.